The following is an entry in ClinVar:

ClinVar aggregate classification (germline): Likely benign (1 of 4 stars; one submission).

Allele frequency attached by ClinVar (database versions not stated): TOPMed 0.00001; gnomAD 0.00003; ExAC 0.00004.
gnomAD v4.1: 25 of 1,614,204 alleles (0.0015%); highest among the groups gnomAD compares: South Asian, 0.013%; no homozygotes.

Submission:

CeGaT Center for Human Genetics Tuebingen
Classification: Likely benign. Last evaluated: 2022-07-01. Review status: criteria provided, single submitter. Criteria: CeGaT Center For Human Genetics Tuebingen Variant Classification Criteria Version 2. Collection method: clinical testing. Allele origin: germline. Affected: yes. Observed: 1 variant allele.
Comment: SPTBN1: BP4, BP7

NM_003128.3(SPTBN1):c.6150C>T (p.Asp2050=)

Gene: SPTBN1 (spectrin beta, non-erythrocytic 1; plus strand). Cytogenetic location: 2p16.2.
Variant type: single nucleotide variant.
Coding change: c.6150C>T on transcript NM_003128.3 (MANE Select); coding-DNA position 6150, C replaced by T.
Protein change: p.Asp2050=; no amino-acid change (aspartic acid 2050 retained).
Molecular consequence: synonymous variant.
Genome position (GRCh38, 1-based): chr2:54,657,953, C>T. VCF-style: chr2-54657953-C-T. GRCh37 (hg19) VCF-style: chr2-54885090-C-T.
Other names: c.6111C>T, p.Asp2037= (NM_178313.3).
Identifiers: ClinVar variation 2650932 (VCV002650932.24), dbSNP rs768876446, ClinGen allele CA1661575.